The following is an entry in ClinVar:

ClinVar aggregate classification (germline): Likely benign. Review status: criteria provided, multiple submitters, no conflicts (2 of 4 stars). 3 submissions from 3 submitters: Likely benign (3). Last evaluated 2025-07-25.

Conditions:
Short-rib thoracic dysplasia 10 with or without polydactyly (SRTD10). Identifiers: Orphanet 474, MedGen C3810175, MONDO:0014284, OMIM 615630.
Retinitis pigmentosa 71 (RP71). Identifiers: Orphanet 791, MedGen C4225342, MONDO:0014618, OMIM 616394.
IFT172-related disorder. Also called: IFT172-related condition; IFT172-related disorders.

Allele frequency attached by ClinVar (database versions not stated): TOPMed below 0.00001; ExAC 0.00001; gnomAD exomes 0.00001.
gnomAD v4.1: 3 of 1,614,170 alleles (0.00019%); highest among the groups gnomAD compares: Admixed American, 0.005%; no homozygotes.

Submissions (3):

PreventionGenetics, part of Exact Sciences
Classification: Likely benign for IFT172-related condition. Last evaluated: 2025-07-25. Review status: criteria provided, single submitter. Criteria: ACMG Guidelines, 2015. Collection method: clinical testing. Allele origin: germline.
Comment: This variant is classified as likely benign based on ACMG/AMP sequence variant interpretation guidelines (Richards et al. 2015 PMID: 25741868, with internal and published modifications).

Labcorp Genetics (formerly Invitae), Labcorp
Classification: Likely benign for Retinitis pigmentosa 71; Short-rib thoracic dysplasia 10 with or without polydactyly. Last evaluated: 2023-03-13. Review status: criteria provided, single submitter. Criteria: Invitae Variant Classification Sherloc (09022015). Collection method: clinical testing. Allele origin: germline.

Blueprint Genetics
Classification: Likely benign. Last evaluated: 2020-01-28. Review status: criteria provided, single submitter. Criteria: ACMG Guidelines, 2015. Collection method: clinical testing. Allele origin: germline.

NM_015662.3(IFT172):c.4878C>T (p.Pro1626=)

Genes: IFT172 (intraflagellar transport 172; minus strand), KRTCAP3 (keratinocyte associated protein 3; plus strand). Cytogenetic location: 2p23.3.
Variant type: single nucleotide variant.
Coding change: c.4878C>T on transcript NM_015662.3 (MANE Select); coding-DNA position 4878, C replaced by T.
Protein change: p.Pro1626=; no amino-acid change (proline 1626 retained).
Molecular consequence: synonymous variant. On other transcripts: intron variant (1).
Genome position (GRCh38, 1-based): chr2:27,445,781, G>A on the plus strand (C>T on the coding strand, the complement: IFT172 is on the minus strand). VCF-style: chr2-27445781-G-A. GRCh37 (hg19) VCF-style: chr2-27668648-G-A.
Other names: c.4812C>T, p.Pro1604= (NM_001410739.1); c.*6-520G>A (NM_001168364.2).
Identifiers: ClinVar variation 1534754 (VCV001534754.11), dbSNP rs773180868, ClinGen allele CA1579438.
Genomic context (GRCh38, chr2:27,445,781, plus strand): 5'-GGTTTTCCAACCCTGTGCCCTTACCGGTACATGCTGCTTAGCTGGGAGTGGCACCTCAAA[G>A]GGAATGTCTGTATCCTGAAAATCAGAGTGGTCAAGGCCATCTAGAGTCCCTTCCTCGATT-3'
Protein context (NP_056477.1, residues 1616-1636): DHSDFQDTDI[Pro1626=]FEVPLPAKQH